The following is an entry in ClinVar:

ClinVar aggregate classification (germline): Uncertain significance (1 of 4 stars; one submission).

Conditions:
Leigh syndrome (NULS). Also called: Leigh's syndrome; Leigh Disease; Subacute necrotizing encephalopathy; Necrotizing encephalopathy infantile subacute of Leigh; Leigh's necrotizing encephalopathy; Leigh's disease. Identifiers: Orphanet 506, MedGen C2931891, MONDO:0009723, OMIM 256000.

Allele frequency attached by ClinVar (database versions not stated): gnomAD exomes below 0.00001.

Submission:

Labcorp Genetics (formerly Invitae), Labcorp
Classification: Uncertain significance for Leigh syndrome. Last evaluated: 2022-02-09. Review status: criteria provided, single submitter. Criteria: Invitae Variant Classification Sherloc (09022015). Collection method: clinical testing. Allele origin: germline.
Comment: This variant is not present in population databases (gnomAD no frequency). In summary, the available evidence is currently insufficient to determine the role of this variant in disease. Therefore, it has been classified as a Variant of Uncertain Significance. Algorithms developed to predict the effect of missense changes on protein structure and function output the following: SIFT: "Tolerated"; PolyPhen-2: "Benign"; Align-GVGD: "Class C0". The isoleucine amino acid residue is found in multiple mammalian species, which suggests that this missense change does not adversely affect protein function. This variant has not been reported in the literature in individuals affected with SURF1-related conditions. This sequence change replaces valine, which is neutral and non-polar, with isoleucine, which is neutral and non-polar, at codon 163 of the SURF1 protein (p.Val163Ile).

NM_003172.4(SURF1):c.487G>A (p.Val163Ile)

Gene: SURF1 (SURF1 cytochrome c oxidase assembly factor; minus strand). Cytogenetic location: 9q34.2.
Variant type: single nucleotide variant.
Coding change: c.487G>A on transcript NM_003172.4 (MANE Select); coding-DNA position 487, G replaced by A.
Protein change: p.Val163Ile; replaces valine 163 with isoleucine.
Molecular consequence: missense variant.
Genome position (GRCh38, 1-based): chr9:133,353,777, C>T on the plus strand (G>A on the coding strand, the complement: SURF1 is on the minus strand). VCF-style: chr9-133353777-C-T. GRCh37 (hg19) VCF-style: chr9-136220632-C-T.
Other names: c.160G>A, p.Val54Ile (NM_001280787.1); short protein forms V163I, V54I.
Identifiers: ClinVar variation 2095475 (VCV002095475.4), dbSNP rs2490619486, ClinGen allele CA375694177.